The following is an entry in ClinVar:

ClinVar aggregate classification (germline): Likely benign. Review status: criteria provided, single submitter (1 of 4 stars). 3 submissions from 3 submitters: Likely benign (1). 2 of the submissions do not count toward it. Last evaluated 2025-08-13.

Conditions:
Autosomal recessive polycystic kidney disease (ARPKD). Also called: AR polycystic kidney disease. Identifiers: Orphanet 731, Orphanet 8378, MedGen C0085548, MeSH D017044, MONDO:0009889.
PKHD1-related disorder. Also called: PKHD1-related condition.

Allele frequency attached by ClinVar (database versions not stated): TOPMed 0.00004.
gnomAD v4.1: 55 of 1,613,896 alleles (0.0034%); highest among the groups gnomAD compares: South Asian, 0.029%; no homozygotes.

Submissions (3):

Labcorp Genetics (formerly Invitae), Labcorp
Classification: Likely benign for Autosomal recessive polycystic kidney disease. Last evaluated: 2025-08-13. Review status: criteria provided, single submitter. Criteria: Invitae Variant Classification Sherloc (09022015). Collection method: clinical testing. Allele origin: germline.

PreventionGenetics, part of Exact Sciences
Classification: Likely benign for PKHD1-related condition. Last evaluated: 2024-04-04. Review status: no assertion criteria provided. Collection method: clinical testing. Allele origin: germline. Not counted in ClinVar's aggregate classification.
Comment: This variant is classified as likely benign based on ACMG/AMP sequence variant interpretation guidelines (Richards et al. 2015 PMID: 25741868, with internal and published modifications).

Natera, Inc.
Classification: Likely benign for Autosomal recessive polycystic kidney disease. Last evaluated: 2020-12-31. Review status: no assertion criteria provided. Collection method: clinical testing. Allele origin: germline. Not counted in ClinVar's aggregate classification.

NM_138694.4(PKHD1):c.9369G>A (p.Ala3123=)

Gene: PKHD1 (PKHD1 ciliary IPT domain containing fibrocystin/polyductin; minus strand). Cytogenetic location: 6p12.3.
Variant type: single nucleotide variant.
Coding change: c.9369G>A on transcript NM_138694.4 (MANE Select); coding-DNA position 9369, G replaced by A.
Protein change: p.Ala3123=; no amino-acid change (alanine 3123 retained).
Molecular consequence: synonymous variant.
Genome position (GRCh38, 1-based): chr6:51,748,247, C>T on the plus strand (G>A on the coding strand, the complement: PKHD1 is on the minus strand). VCF-style: chr6-51748247-C-T. GRCh37 (hg19) VCF-style: chr6-51613045-C-T.
Other names: c.9369G>A, p.Ala3123= (NM_170724.3).
Identifiers: ClinVar variation 698103 (VCV000698103.17), dbSNP rs745523374, ClinGen allele CA3851399.